The following is an entry in ClinVar:

ClinVar aggregate classification (germline): Uncertain significance (1 of 4 stars; one submission).

Submission:

Women's Health and Genetics/Laboratory Corporation of America, LabCorp
Classification: Uncertain significance. Last evaluated: 2025-04-21. Review status: criteria provided, single submitter. Criteria: LabCorp Variant Classification Summary - May 2015. Collection method: clinical testing. Allele origin: germline.
Comment: Variant summary: TSC2 c.-30+192G>C is located in the untranslated mRNA region upstream of the initiation codon. Consensus agreement among computation tools predict no significant impact on normal splicing. However, these predictions have yet to be confirmed by functional studies. The variant allele was found at a frequency of 6.8e-06 in 146834 control chromosomes (gnomAD). The available data on variant occurrences in the general population are insufficient to allow any conclusion about variant significance. To our knowledge, no occurrence of c.-30+192G>C in individuals affected with Tuberous Sclerosis Complex and no experimental evidence demonstrating its impact on protein function have been reported. No submitters have cited clinical-significance assessments for this variant to ClinVar. Based on the evidence outlined above, the variant was classified as uncertain significance.

NM_000548.5(TSC2):c.-30+192G>C

Gene: TSC2 (TSC complex subunit 2; plus strand). Cytogenetic location: 16p13.3.
Variant type: single nucleotide variant.
Coding change: c.-30+192G>C on transcript NM_000548.5 (MANE Select); 192 bases into the intron after 30 bases upstream of the start codon, G replaced by C.
Molecular consequence: intron variant. On other transcripts: 5 prime UTR variant (1).
Genome position (GRCh38, 1-based): chr16:2,048,257, G>C. VCF-style: chr16-2048257-G-C. GRCh37 (hg19) VCF-style: chr16-2098258-G-C.
Other names: c.-13G>C (NM_001318832.2); c.-1767+192G>C (NM_001406693.1); c.-30+192G>C (NM_001406667.1, NM_001406668.1, NM_001114382.3 and 13 more transcripts); c.-846+192G>C (NM_001406680.1, NM_001406683.1, NM_001406687.1); c.-1461+192G>C (NM_001406689.1, NM_001406690.1, NM_001406692.1 and 2 more transcripts); c.-1637+192G>C (NM_001406698.1); c.-1342+192G>C (NM_001406694.1, NM_001406695.1); c.-1449+192G>C (NM_001406696.1); and 4 more.
Identifiers: ClinVar variation 3896149 (VCV003896149.2).